The following is an entry in ClinVar:

ClinVar aggregate classification (germline): Likely benign. Review status: criteria provided, multiple submitters, no conflicts (2 of 4 stars). 3 submissions from 3 submitters: Likely benign (3). Last evaluated 2025-11-10.

Conditions:
Hereditary diffuse gastric adenocarcinoma (HDGC). Also called: DIFFUSE GASTRIC AND LOBULAR BREAST CANCER SYNDROME. Identifiers: Orphanet 26106, MedGen C1708349, MONDO:0007648, OMIM 137215.
Hereditary cancer-predisposing syndrome. Also called: Hereditary Cancer Syndrome; Tumor predisposition; Neoplastic Syndromes, Hereditary; Hereditary neoplastic syndrome. Identifiers: Orphanet 140162, MedGen C0027672, MeSH D009386, MONDO:0015356.

Allele frequency attached by ClinVar (database versions not stated): gnomAD exomes below 0.00001 and 0.00001; ExAC 0.00001; TOPMed 0.00001.
gnomAD v4.1: 5 of 1,614,204 alleles (0.00031%); highest among the groups gnomAD compares: Admixed American, 0.005%; no homozygotes.

Submissions (3):

Labcorp Genetics (formerly Invitae), Labcorp
Classification: Likely benign for Hereditary diffuse gastric adenocarcinoma. Last evaluated: 2025-11-10. Review status: criteria provided, single submitter. Criteria: Invitae Variant Classification Sherloc (09022015). Collection method: clinical testing. Allele origin: germline.

Myriad Genetics, Inc.
Classification: Likely benign for Hereditary diffuse gastric adenocarcinoma. Last evaluated: 2024-09-19. Review status: criteria provided, single submitter. Criteria: Myriad Autosomal Dominant, Autosomal Recessive and X-Linked Classification Criteria (2023). Collection method: clinical testing. Allele origin: unknown.
Comment: This variant is considered likely benign. This variant is intronic and is not expected to impact mRNA splicing.

Color Diagnostics, LLC DBA Color Health
Classification: Likely benign for Hereditary cancer-predisposing syndrome. Last evaluated: 2024-07-15. Review status: criteria provided, single submitter. Criteria: ACMG Guidelines, 2015. Collection method: clinical testing. Allele origin: germline.

NM_004360.5(CDH1):c.1566-13T>C

Gene: CDH1 (cadherin 1; plus strand). Cytogenetic location: 16q22.1.
Variant type: single nucleotide variant.
Coding change: c.1566-13T>C on transcript NM_004360.5 (MANE Select); 13 bases into the intron before coding-DNA position 1566, T replaced by C.
Molecular consequence: intron variant.
Genome position (GRCh38, 1-based): chr16:68,819,267, T>C. VCF-style: chr16-68819267-T-C. GRCh37 (hg19) VCF-style: chr16-68853170-T-C.
Other names: c.18-13T>C (NM_001317185.2); c.-254-2734T>C (NM_001317186.2); c.1383-13T>C (NM_001317184.2).
Identifiers: ClinVar variation 1588591 (VCV001588591.10), dbSNP rs768307928, ClinGen allele CA8130105.